The following is an entry in ClinVar:

ClinVar aggregate classification (germline): Pathogenic. Review status: criteria provided, single submitter (1 of 4 stars). 3 submissions from 3 submitters: Pathogenic (1). 2 of the submissions do not count toward it. Last evaluated 2026-06-03.

Conditions:
Autosomal dominant polycystic kidney disease. Identifiers: Orphanet 730, MedGen C0085413, MONDO:0004691.
Polycystic kidney disease, adult type (PKD1). Also called: Polycystic Kidney Disease 1, Autosomal Dominant; Polycystic kidney disease 1; Polycystic kidney disease 1, severe; POLYCYSTIC KIDNEY DISEASE 1 WITH OR WITHOUT POLYCYSTIC LIVER DISEASE; POLYCYSTIC KIDNEY DISEASE, ADULT, TYPE I; Polycystic Kidney, Autosomal Dominant. Identifiers: MedGen C3149841, MONDO:0008263, OMIM 173900.

Submissions (3):

Women's Health and Genetics/Laboratory Corporation of America, LabCorp
Classification: Pathogenic for Polycystic kidney disease, adult type. Last evaluated: 2026-06-03. Review status: criteria provided, single submitter. Criteria: LabCorp Variant Classification Summary - May 2015. Collection method: clinical testing. Allele origin: germline.
Comment: Variant summary: PKD1 c.5679G>A (p.Trp1893X) results in a premature termination codon, predicted to cause a truncation of the encoded protein or absence of the protein due to nonsense mediated decay, which are commonly known mechanisms for disease. The variant was absent in 241270 control chromosomes. To our knowledge, no occurrence of c.5679G>A in individuals affected with PKD1-related conditions and no experimental evidence demonstrating its impact on protein function have been reported. ClinVar contains an entry for this variant (Variation ID: 1255646). Based on the evidence outlined above, the variant was classified as pathogenic.

Zotz-Klimas Genetics Lab, MVZ Zotz Klimas
Classification: Pathogenic for Polycystic kidney disease, adult type. Last evaluated: 2023-10-09. Review status: no assertion criteria provided. Collection method: clinical testing. Allele origin: germline. Affected: yes. Not counted in ClinVar's aggregate classification.

Laboratory of Gastroenterology and Hepatology, Radboud University Medical Center
Classification: Pathogenic for Autosomal dominant polycystic kidney disease. Last evaluated: 2021-09-01. Review status: no assertion criteria provided. Collection method: research. Allele origin: germline. Affected: yes. Not counted in ClinVar's aggregate classification.

NM_001009944.3(PKD1):c.5679G>A (p.Trp1893Ter)

Gene: PKD1 (polycystin 1, transient receptor potential channel interacting; minus strand). Cytogenetic location: 16p13.3.
Variant type: single nucleotide variant.
Coding change: c.5679G>A on transcript NM_001009944.3 (MANE Select); coding-DNA position 5679, G replaced by A.
Protein change: p.Trp1893Ter; replaces tryptophan 1893 with a stop codon.
Molecular consequence: nonsense.
Genome position (GRCh38, 1-based): chr16:2,109,488, C>T on the plus strand (G>A on the coding strand, the complement: PKD1 is on the minus strand). VCF-style: chr16-2109488-C-T. GRCh37 (hg19) VCF-style: chr16-2159489-C-T.
Other names: c.5679G>A, p.Trp1893Ter (NM_000296.4); short protein forms W1893*.
Identifiers: ClinVar variation 1255646 (VCV001255646.4), dbSNP rs2151792059, ClinGen allele CA394375927.